The following is an entry in ClinVar:

ClinVar aggregate classification (germline): Uncertain significance (0 of 4 stars; one submission).

Conditions:
LAMA5-related disorder. Also called: LAMA5-related condition; LAMA5-Related Disorders.

Submission:

PreventionGenetics, part of Exact Sciences
Classification: Uncertain significance for LAMA5-related condition. Last evaluated: 2024-05-03. Review status: no assertion criteria provided. Collection method: clinical testing. Allele origin: germline.
Comment: The LAMA5 c.2864C>G variant is predicted to result in the amino acid substitution p.Ala955Gly. To our knowledge, this variant has not been reported in the literature or in a large population database, indicating this variant is rare. At this time, the clinical significance of this variant is uncertain due to the absence of conclusive functional and genetic evidence.

NM_005560.6(LAMA5):c.2864C>G (p.Ala955Gly)

Gene: LAMA5 (laminin subunit alpha 5; minus strand). Cytogenetic location: 20q13.33.
Variant type: single nucleotide variant.
Coding change: c.2864C>G on transcript NM_005560.6 (MANE Select); coding-DNA position 2864, C replaced by G.
Protein change: p.Ala955Gly; replaces alanine 955 with glycine.
Molecular consequence: missense variant.
Genome position (GRCh38, 1-based): chr20:62,333,915, G>C on the plus strand (C>G on the coding strand, the complement: LAMA5 is on the minus strand). VCF-style: chr20-62333915-G-C. GRCh37 (hg19) VCF-style: chr20-60908971-G-C.
Other names: short protein forms A955G.
Identifiers: ClinVar variation 3345898 (VCV003345898.1).
Genomic context (GRCh38, chr20:62,333,915, plus strand): 5'-GGCTGGGCTGGTGGGGCAGGGGCTGTGGCCCAGGGACCCCACTCACAGTTGGCGCAGGTG[G>C]CCGACCTGCCCTCCTCTCGCACAGAGACCCGCCCGCTCACACTCATGGCCCCCCGGTTGA-3'
Protein context (NP_005551.3, residues 945-965): RVSVREEGRS[Ala955Gly]TCANCTAQSQ